The following is an entry in ClinVar:

NM_007078.3(LDB3):c.2124G>A (p.Pro708=)

Gene: LDB3 (LIM domain binding 3; plus strand). Cytogenetic location: 10q23.2.
Variant type: single nucleotide variant.
Coding change: c.2124G>A on transcript NM_007078.3 (MANE Select); coding-DNA position 2124, G replaced by A.
Protein change: p.Pro708=; no amino-acid change (proline 708 retained).
Molecular consequence: synonymous variant.
Genome position (GRCh38, 1-based): chr10:86,732,916, G>A. VCF-style: chr10-86732916-G-A. GRCh37 (hg19) VCF-style: chr10-88492673-G-A.
Other names: c.*33542G>A (LRG_385t2, NM_001080116.1); c.2124G>A (LRG_385t1); c.1794G>A, p.Pro598= (NM_001080114.2); c.2139G>A, p.Pro713= (NM_001171610.2); c.1935G>A, p.Pro645= (NM_001368064.1, NM_001368065.1); c.1983G>A, p.Pro661= (NM_001368066.1).
Identifiers: ClinVar variation 389706 (VCV000389706.36), dbSNP rs759812655, ClinGen allele CA5585363.

ClinVar aggregate classification (germline): Likely benign. Review status: criteria provided, multiple submitters, no conflicts (2 of 4 stars). 5 submissions from 5 submitters: Likely benign (5). Last evaluated 2025-07-24.

Conditions:
Myofibrillar myopathy 4. Also called: Zaspopathy (type). Identifiers: Orphanet 98912, MedGen C4721886, MONDO:0012277, OMIM 609452.
Cardiovascular phenotype. Identifiers: MedGen CN230736.

Allele frequency attached by ClinVar (database versions not stated): gnomAD exomes 0.00001 and 0.00004; gnomAD 0.00002 and 0.00003; TOPMed 0.00002; ExAC 0.00004.
gnomAD v4.1: 25 of 1,613,772 alleles (0.0015%); highest among the groups gnomAD compares: South Asian, 0.0055%; no homozygotes.

Submissions (5):

Labcorp Genetics (formerly Invitae), Labcorp
Classification: Likely benign for Myofibrillar myopathy 4. Last evaluated: 2025-07-24. Review status: criteria provided, single submitter. Criteria: Invitae Variant Classification Sherloc (09022015). Collection method: clinical testing. Allele origin: germline.

Women's Health and Genetics/Laboratory Corporation of America, LabCorp
Classification: Likely benign. Last evaluated: 2025-03-08. Review status: criteria provided, single submitter. Criteria: LabCorp Variant Classification Summary - May 2015. Collection method: clinical testing. Allele origin: germline.

CeGaT Center for Human Genetics Tuebingen
Classification: Likely benign. Last evaluated: 2023-10-01. Review status: criteria provided, single submitter. Criteria: CeGaT Center For Human Genetics Tuebingen Variant Classification Criteria Version 2. Collection method: clinical testing. Allele origin: germline. Affected: yes. Observed: 1 variant allele.
Comment: LDB3: BP4, BP7

Ambry Genetics
Classification: Likely benign for Cardiovascular phenotype. Last evaluated: 2021-07-22. Review status: criteria provided, single submitter. Criteria: Ambry Variant Classification Scheme 2023. Collection method: clinical testing. Allele origin: germline.

GeneDx
Classification: Likely benign. Last evaluated: 2016-10-10. Review status: criteria provided, single submitter. Criteria: GeneDx Variant Classification (06012015). Collection method: clinical testing. Allele origin: germline. Affected: yes.
Comment: This variant is considered likely benign or benign based on one or more of the following criteria: it is a conservative change, it occurs at a poorly conserved position in the protein, it is predicted to be benign by multiple in silico algorithms, and/or has population frequency not consistent with disease.